The following is an entry in ClinVar:

ClinVar aggregate classification (germline): Uncertain significance (1 of 4 stars; one submission).

Conditions:
GFAP-related disorder. Also called: GFAP-related condition; GFAP-related disorders.

Submission:

PreventionGenetics, part of Exact Sciences
Classification: Uncertain significance for GFAP-related condition. Last evaluated: 2025-06-10. Review status: criteria provided, single submitter. Criteria: ACMG Guidelines, 2015. Collection method: clinical testing. Allele origin: germline.
Comment: The GFAP c.1261A>T variant is predicted to result in the amino acid substitution p.Ile421Phe. To our knowledge, this variant has not been reported in the literature or in a large population database (gnomAD), indicating this variant is rare. At this time, the clinical significance of this variant is uncertain due to the absence of conclusive functional and genetic evidence.

NM_002055.5(GFAP):c.1261A>T (p.Ile421Phe)

Gene: GFAP (glial fibrillary acidic protein; minus strand). Cytogenetic location: 17q21.31.
Variant type: single nucleotide variant.
Coding change: c.1261A>T on transcript NM_002055.5 (MANE Select); coding-DNA position 1261, A replaced by T.
Protein change: p.Ile421Phe; replaces isoleucine 421 with phenylalanine.
Molecular consequence: missense variant.
Genome position (GRCh38, 1-based): chr17:44,907,385, T>A on the plus strand (A>T on the coding strand, the complement: GFAP is on the minus strand). VCF-style: chr17-44907385-T-A. GRCh37 (hg19) VCF-style: chr17-42984753-T-A.
Other names: c.1381A>T, p.Ile461Phe (NM_001363846.2); short protein forms I461F, I421F.
Identifiers: ClinVar variation 5000392 (VCV005000392.1).
Genomic context (GRCh38, chr17:44,907,385, plus strand): 5'-AGGCCACCAGGTGGGTCCTGCCTCACATCACATCCTTGTGCTCCTGCTTGGACTCCTTAA[T>A]GACCTGCAGGGGACAGGGAACGTGCACAGTGCAACAGTTAGGAGTTCACACAGACCCCAG-3'
Protein context (NP_002046.1, residues 411-431): KTVEMRDGEV[Ile421Phe]KESKQEHKDV